The following is an entry in ClinVar:

ClinVar aggregate classification (germline): Uncertain significance (1 of 4 stars; one submission).

Conditions:
Hypertrophic cardiomyopathy. Also called: HYPERTROPHIC MYOCARDIOPATHY. Identifiers: Orphanet 217569, MedGen C0007194, MeSH D002312, MONDO:0005045, HP:0001639.

Allele frequency attached by ClinVar (database versions not stated): gnomAD 0.00006; TOPMed 0.00007; 1000 Genomes Project 30x 0.00016; 1000 Genomes Project 0.00020.
gnomAD v4.1: 225 of 1,613,894 alleles (0.014%); highest among the groups gnomAD compares: Middle Eastern, 0.049%; no homozygotes.

Submission:

Labcorp Genetics (formerly Invitae), Labcorp
Classification: Uncertain significance for Hypertrophic cardiomyopathy. Last evaluated: 2025-08-20. Review status: criteria provided, single submitter. Criteria: Invitae Variant Classification Sherloc (09022015). Collection method: clinical testing. Allele origin: germline.
Comment: This sequence change replaces arginine, which is basic and polar, with histidine, which is basic and polar, at codon 711 of the MYOM1 protein (p.Arg711His). This variant is present in population databases (rs548747720, gnomAD 0.02%). This missense change has been observed in individual(s) with hypertrophic cardiomyopathy (PMID: 26656175). ClinVar contains an entry for this variant (Variation ID: 571271). Invitae Evidence Modeling of protein sequence and biophysical properties (such as structural, functional, and spatial information, amino acid conservation, physicochemical variation, residue mobility, and thermodynamic stability) indicates that this missense variant is expected to disrupt MYOM1 protein function with a positive predictive value of 80%. In summary, the available evidence is currently insufficient to determine the role of this variant in disease. Therefore, it has been classified as a Variant of Uncertain Significance.

Literature cited by the submitters: PubMed 26656175.

NM_003803.4(MYOM1):c.2132G>A (p.Arg711His)

Gene: MYOM1 (myomesin 1; minus strand). Cytogenetic location: 18p11.31.
Variant type: single nucleotide variant.
Coding change: c.2132G>A on transcript NM_003803.4 (MANE Select); coding-DNA position 2132, G replaced by A.
Protein change: p.Arg711His; replaces arginine 711 with histidine.
Molecular consequence: missense variant.
Genome position (GRCh38, 1-based): chr18:3,135,624, C>T on the plus strand (G>A on the coding strand, the complement: MYOM1 is on the minus strand). VCF-style: chr18-3135624-C-T. GRCh37 (hg19) VCF-style: chr18-3135622-C-T.
Other names: c.2132G>A, p.Arg711His (NM_019856.2); short protein forms R711H.
Identifiers: ClinVar variation 571271 (VCV000571271.10), dbSNP rs548747720, ClinGen allele CA8874734.
Genomic context (GRCh38, chr18:3,135,624, plus strand): 5'-ACAGTCACCTCCGTTGCCTCTGAGGGCTCACCAACTCCTGCAGAATTAGAACAGCGGACA[C>T]GGAAACAGTAGGATTTCCCCTCGGCCAAGTCAAACAGAGCAAAGCGGGGAGACTTCACAG-3'
Protein context (NP_003794.3, residues 701-721): DLAEGKSYCF[Arg711His]VRCSNSAGVG